The following is an entry in ClinVar:

NM_000059.4(BRCA2):c.3293del (p.Asn1098fs)

Gene: BRCA2 (BRCA2 DNA repair associated; plus strand). Cytogenetic location: 13q13.1.
Variant type: Deletion.
Coding change: c.3293del on transcript NM_000059.4 (MANE Select); coding-DNA position 3293, one base deleted (A; older notation c.3293delA).
Protein change: p.Asn1098fs; shifts the reading frame from asparagine 1098.
Molecular consequence: frameshift variant.
Genome position (GRCh38, 1-based): chr13:32,337,648, A deleted; the last of 2 consecutive A bases (chr13:32,337,647-32,337,648); deleting either gives the same sequence. VCF-style (leftmost placement, unchanged base first): chr13-32337646-TA-T. GRCh37 (hg19) VCF-style: chr13-32911783-TA-T.
Other names: 3520delA; c.3293delA (NM_000059.3); short protein forms N1098fs.
Identifiers: ClinVar variation 254515 (VCV000254515.5), dbSNP rs690016541, ClinGen allele CA017716.

ClinVar aggregate classification (germline): Pathogenic. Review status: reviewed by expert panel (3 of 4 stars). 2 submissions from 2 submitters: Pathogenic (1). 1 of the submissions does not count toward it. Last evaluated 2016-09-08.

Conditions:
Breast-ovarian cancer, familial, susceptibility to, 2 (BROVCA2). Also called: BRCA2 Hereditary Breast and Ovarian Cancer. Identifiers: Orphanet 145, MedGen C2675520, MONDO:0012933, OMIM 612555. Disease mechanism: loss of function.
Familial cancer of breast. Also called: BREAST CANCER, FAMILIAL; Hereditary breast cancer; hereditary breast carcinoma. Identifiers: Orphanet 227535, MedGen C0346153, MONDO:0016419, OMIM 114480. Disease mechanism: loss of function.

Submissions (2):

Evidence-based Network for the Interpretation of Germline Mutant Alleles (ENIGMA)
Classification: Pathogenic for Breast-ovarian cancer, familial, susceptibility to, 2. Last evaluated: 2016-09-08. Review status: reviewed by expert panel. Criteria: ENIGMA BRCA1/2 Classification Criteria (2015). Collection method: curation. Allele origin: germline.
Comment: Variant allele predicted to encode a truncated non-functional protein.

Faculty of Pharmacy, Ain Shams University
Classification: Pathogenic for Familial Breast cancer. Last evaluated: 2013-01-12. Review status: no assertion criteria provided. Collection method: clinical testing. Allele origin: germline. Inheritance: Autosomal dominant inheritance. Affected: yes. Observed: 2 variant alleles. Not counted in ClinVar's aggregate classification.
Comment: This frameshift mutation resulted in the generation of stop codon at position 1103, similar to other deletions: (c.3277_3277delT) and (c.3294_3294delT) reported in BIC database in patients of Caucasian ancestry, and are described to be of clinical significance

Determine the profile of BRCA1/2 mutations in Egyptian female breast cancer patients